The following is an entry in ClinVar:

ClinVar aggregate classification (germline): Uncertain significance (1 of 4 stars; one submission).

Conditions:
Inborn genetic diseases. Identifiers: MedGen C0950123, MeSH D030342.

Submission:

Ambry Genetics
Classification: Uncertain significance for Inborn genetic diseases. Last evaluated: 2025-01-01. Review status: criteria provided, single submitter. Criteria: Ambry Variant Classification Scheme 2023. Collection method: clinical testing. Allele origin: germline.
Comment: The p.K32E variant (also known as c.94A>G), located in coding exon 2 of the ASXL1 gene, results from an A to G substitution at nucleotide position 94. The lysine at codon 32 is replaced by glutamic acid, an amino acid with similar properties. This amino acid position is conserved. In addition, this alteration is predicted to be deleterious by in silico analysis. Based on the available evidence, the clinical significance of this variant remains unclear.

NM_015338.6(ASXL1):c.94A>G (p.Lys32Glu)

Gene: ASXL1 (ASXL transcriptional regulator 1; plus strand). Cytogenetic location: 20q11.21.
Variant type: single nucleotide variant.
Coding change: c.94A>G on transcript NM_015338.6 (MANE Select); coding-DNA position 94, A replaced by G.
Protein change: p.Lys32Glu; replaces lysine 32 with glutamic acid.
Molecular consequence: missense variant.
Genome position (GRCh38, 1-based): chr20:32,366,420, A>G. VCF-style: chr20-32366420-A-G. GRCh37 (hg19) VCF-style: chr20-30954223-A-G.
Other names: c.94A>G, p.Lys32Glu (NM_001164603.1); c.64A>G, p.Lys22Glu (NM_001363734.1); short protein forms K32E, K22E.
Identifiers: ClinVar variation 3791809 (VCV003791809.1).